The following is an entry in ClinVar:

ClinVar aggregate classification (germline): Uncertain significance (1 of 4 stars; one submission).

Conditions:
Inborn genetic diseases. Identifiers: MedGen C0950123, MeSH D030342.

Submission:

Ambry Genetics
Classification: Uncertain significance for Inborn genetic diseases. Last evaluated: 2022-04-06. Review status: criteria provided, single submitter. Criteria: Ambry Variant Classification Scheme 2023. Collection method: clinical testing. Allele origin: germline.
Comment: The p.D1041N variant (also known as c.3121G>A), located in coding exon 24 of the LRRK2 gene, results from a G to A substitution at nucleotide position 3121. The aspartic acid at codon 1041 is replaced by asparagine, an amino acid with highly similar properties. This amino acid position is conserved. In addition, this alteration is predicted to be tolerated by in silico analysis. Since supporting evidence is limited at this time, the clinical significance of this alteration remains unclear.

NM_198578.4(LRRK2):c.3121G>A (p.Asp1041Asn)

Gene: LRRK2 (leucine rich repeat kinase 2; plus strand). Cytogenetic location: 12q12.
Variant type: single nucleotide variant.
Coding change: c.3121G>A on transcript NM_198578.4 (MANE Select); coding-DNA position 3121, G replaced by A.
Protein change: p.Asp1041Asn; replaces aspartic acid 1041 with asparagine.
Molecular consequence: missense variant.
Genome position (GRCh38, 1-based): chr12:40,298,267, G>A. VCF-style: chr12-40298267-G-A. GRCh37 (hg19) VCF-style: chr12-40692069-G-A.
Other names: short protein forms D1041N.
Identifiers: ClinVar variation 1727873 (VCV001727873.2), dbSNP rs2499744804, ClinGen allele CA384414077.